The following is an entry in ClinVar:

ClinVar aggregate classification (germline): Conflicting classifications of pathogenicity. Review status: criteria provided, conflicting classifications (1 of 4 stars). 11 submissions from 8 submitters: Uncertain significance (6); Likely benign (5). Last evaluated 2026-09-17.

Conditions:
Hemolytic uremic syndrome, atypical, susceptibility to, 1. Also called: AHUS, SUSCEPTIBILITY TO, 1. Identifiers: Orphanet 2134, Orphanet 90038, MedGen C2749604, MONDO:0009335, OMIM 235400. Disease mechanism: Other.
Basal laminar drusen. Also called: DRUSEN OF BRUCH MEMBRANE; DRUSEN, CUTICULAR; DRUSEN, EARLY ADULT-ONSET, GROUPED. Identifiers: Orphanet 75376, MedGen C0730295, MONDO:0007472, OMIM 126700.
Factor H deficiency (CFHD). Also called: COMPLEMENT FACTOR H DEFICIENCY; CFH DEFICIENCY. Identifiers: Orphanet 200421, MedGen C0398777, MONDO:0012350, OMIM 609814.
Age related macular degeneration 4. Identifiers: MedGen C1853147, MONDO:0012540, OMIM 610698.
Atypical hemolytic-uremic syndrome. Identifiers: Orphanet 2134, MedGen C2931788, MONDO:0016244.
CFH-Related Dense Deposit Disease / Membranoproliferative Glomerulonephritis Type II. Identifiers: MedGen CN071292.

Allele frequency attached by ClinVar (database versions not stated): gnomAD 0.00021; ExAC 0.00023; ESP Exome Variant Server 0.00023; TOPMed 0.00023; gnomAD exomes 0.00025; 1000 Genomes Project 30x 0.00031; 1000 Genomes Project 0.00040.
gnomAD v4.1: 531 of 1,612,812 alleles (0.033%); highest among the groups gnomAD compares: Non-Finnish European, 0.042%; 2 homozygotes.

Submissions (11):

Genomenon, Inc
Classification: Uncertain significance for Age related macular degeneration 4; Atypical hemolytic-uremic syndrome; Factor H deficiency. Last evaluated: 2026-09-17. Review status: criteria provided, single submitter. Criteria: Genomenon Sequence Variant Interpretation Standards - Updated. Collection method: curation. Allele origin: germline. Affected: yes.
Comment: CFH p.Gly650Val (c.1949G>T) is a missense variant that changes the amino acid at codon 650 from glycine to valine. This variant has been observed in at least one proband affected with a CFH-related disorder (PMID: 26501415; 29888403; 37466676; 17018561). Functional studies have been reported (PMID: 36445700; 34189567). It is absent or not present at a significant frequency in gnomAD. In silico models predict that this variant is not damaging. In conclusion, we classify CFH p.Gly650Val (c.1949G>T) as a variant of uncertain significance.

Labcorp Genetics (formerly Invitae), Labcorp
Classification: Uncertain significance. Last evaluated: 2026-01-19. Review status: criteria provided, single submitter. Criteria: Invitae Variant Classification Sherloc (09022015). Collection method: clinical testing. Allele origin: germline.
Comment: This sequence change replaces glycine, which is neutral and non-polar, with valine, which is neutral and non-polar, at codon 650 of the CFH protein (p.Gly650Val). This variant is present in population databases (rs143237092, gnomAD 0.04%). This missense change has been observed in individual(s) with clinical features of CFH-related conditions (PMID: 17018561, 23852337, 26501415, 29888403, 37466676). ClinVar contains an entry for this variant (Variation ID: 294497). An algorithm developed to predict the effect of missense changes on protein structure and function (PolyPhen-2) suggests that this variant is likely to be tolerated. Experimental studies have shown that this missense change does not substantially affect CFH function (PMID: 34189567). In summary, the available evidence is currently insufficient to determine the role of this variant in disease. Therefore, it has been classified as a Variant of Uncertain Significance.

Mayo Clinic Laboratories, Mayo Clinic
Classification: Uncertain significance. Last evaluated: 2025-07-22. Review status: criteria provided, single submitter. Criteria: ACMG Guidelines, 2015. Collection method: clinical testing. Allele origin: germline. Observed: 3 variant alleles.
Comment: BP4

Women's Health and Genetics/Laboratory Corporation of America, LabCorp
Classification: Uncertain significance. Last evaluated: 2025-07-21. Review status: criteria provided, single submitter. Criteria: LabCorp Variant Classification Summary - May 2015. Collection method: clinical testing. Allele origin: germline.
Comment: Variant summary: CFH c.1949G>T (p.Gly650Val) results in a non-conservative amino acid change in the encoded protein sequence. Algorithms developed to predict the effect of missense changes on protein structure and function are either unavailable or do not agree on the potential impact of this missense change. The variant allele was found at a frequency of 0.00025 in 250906 control chromosomes. This frequency is not significantly higher than estimated for a pathogenic variant in CFH causing CFH-Related Disorders, allowing no conclusion about variant significance. c.1949G>T has been observed in at least one individual affected with CFH-Related Disorders (Servais_2007, Geerlings_2018). These data do not allow any conclusion about variant significance. At least one publication reports experimental evidence evaluating an impact on protein function (Martin_2021). These results showed no damaging effect of this variant. The following publications have been ascertained in the context of this evaluation (PMID: 29888403, 34189567, 17018561). ClinVar contains an entry for this variant (Variation ID: 294497). Based on the evidence outlined above, the variant was classified as uncertain significance.

Blueprint Genetics
Classification: Likely benign. Last evaluated: 2024-11-22. Review status: criteria provided, single submitter. Criteria: ACMG Guidelines, 2015. Collection method: clinical testing. Allele origin: germline.

Fulgent Genetics
Classification: Uncertain significance for Basal laminar drusen; Hemolytic uremic syndrome, atypical, susceptibility to, 1; Factor H deficiency; Age related macular degeneration 4. Last evaluated: 2024-02-14. Review status: criteria provided, single submitter. Criteria: ACMG Guidelines, 2015. Collection method: clinical testing. Allele origin: germline.

Genome Diagnostics Laboratory, The Hospital for Sick Children
Classification: Uncertain significance for Atypical hemolytic-uremic syndrome. Last evaluated: 2021-05-25. Review status: criteria provided, single submitter. Criteria: ACMG Guidelines, 2015. Collection method: clinical testing. Allele origin: germline.

Illumina Laboratory Services, Illumina
Classification: Likely benign for Hemolytic uremic syndrome, atypical, susceptibility to, 1. Last evaluated: 2017-04-28. Review status: criteria provided, single submitter. Criteria: ICSL Variant Classification Criteria 13 December 2019. Collection method: clinical testing. Allele origin: germline.
Comment: This variant was observed as part of a predisposition screen in an ostensibly healthy population. A literature search was performed for the gene, cDNA change, and amino acid change (where applicable). No publications were found based on this search. Allele frequency data from public databases allowed determination this variant is unlikely to cause disease. Therefore, this variant is classified as likely benign.

Illumina Laboratory Services, Illumina
Classification: Likely benign for Age related macular degeneration 4. Last evaluated: 2017-04-28. Review status: criteria provided, single submitter. Criteria: ICSL Variant Classification Criteria 13 December 2019. Collection method: clinical testing. Allele origin: germline.
Comment: the same text as in the submission from Illumina Laboratory Services, Illumina above.

Illumina Laboratory Services, Illumina
Classification: Likely benign for Membranoproliferative glomerulonephritis with complement factor h deficiency. Last evaluated: 2017-04-28. Review status: criteria provided, single submitter. Criteria: ICSL Variant Classification Criteria 13 December 2019. Collection method: clinical testing. Allele origin: germline.
Comment: This variant was observed as part of a predisposition screen in an ostensibly healthy population. A literature search was performed for the gene, cDNA change, and amino acid change (where applicable). Publications were found based on this search. The evidence from the literature, in combination with allele frequency data from public databases where available, was sufficient to determine this variant is unlikely to cause disease. Therefore, this variant is classified as likely benign.

Illumina Laboratory Services, Illumina
Classification: Likely benign for Basal laminar drusen. Last evaluated: 2017-04-28. Review status: criteria provided, single submitter. Criteria: ICSL Variant Classification Criteria 13 December 2019. Collection method: clinical testing. Allele origin: germline.
Comment: the same text as in the submission from Illumina Laboratory Services, Illumina above.

Literature cited by the submitters: PubMed 26501415 (cited by Genomenon, Inc and Labcorp Genetics (formerly Invitae), Labcorp); PubMed 29888403 (cited by 4 submitters); PubMed 37466676 (cited by 3 submitters); PubMed 17018561 (cited by 5 submitters); PubMed 36445700 (cited by Genomenon, Inc and Mayo Clinic Laboratories, Mayo Clinic); PubMed 34189567 (cited by 4 submitters); PubMed 23852337 (cited by 3 submitters); PubMed 19297022 (cited by Mayo Clinic Laboratories, Mayo Clinic and Illumina Laboratory Services, Illumina); PubMed 30476936 (cited by Mayo Clinic Laboratories, Mayo Clinic); PubMed 34508573 (cited by Mayo Clinic Laboratories, Mayo Clinic); PubMed 19190809 (cited by Illumina Laboratory Services, Illumina).

NM_000186.4(CFH):c.1949G>T (p.Gly650Val)

Gene: CFH (complement factor H; plus strand). Cytogenetic location: 1q31.3.
Variant type: single nucleotide variant.
Coding change: c.1949G>T on transcript NM_000186.4 (MANE Select); coding-DNA position 1949, G replaced by T.
Protein change: p.Gly650Val; replaces glycine 650 with valine.
Molecular consequence: missense variant.
Genome position (GRCh38, 1-based): chr1:196,726,545, G>T. VCF-style: chr1-196726545-G-T. GRCh37 (hg19) VCF-style: chr1-196695675-G-T.
Other names: p.Gly650Val; short protein forms G650V.
Identifiers: ClinVar variation 294497 (VCV000294497.25), dbSNP rs143237092, ClinGen allele CA1305536.